The following is an entry in ClinVar:

NM_178526.5(SLC25A42):c.602C>G (p.Ala201Gly)

Gene: SLC25A42 (solute carrier family 25 member 42; plus strand). Cytogenetic location: 19p13.11.
Variant type: single nucleotide variant.
Coding change: c.602C>G on transcript NM_178526.5 (MANE Select); coding-DNA position 602, C replaced by G.
Protein change: p.Ala201Gly; replaces alanine 201 with glycine.
Molecular consequence: missense variant.
Genome position (GRCh38, 1-based): chr19:19,107,998, C>G. VCF-style: chr19-19107998-C-G. GRCh37 (hg19) VCF-style: chr19-19218807-C-G.
Other names: c.602C>G, p.Ala201Gly (NM_001321544.2); c.602C>G (NM_178526.3); short protein forms A201G.
Identifiers: ClinVar variation 2179782 (VCV002179782.2), dbSNP rs925587101, ClinGen allele CA306289655.

ClinVar aggregate classification (germline): Uncertain significance. Review status: criteria provided, multiple submitters, no conflicts (2 of 4 stars). 2 submissions from 2 submitters: Uncertain significance (2). Last evaluated 2023-12-30.

Conditions:
Inborn genetic diseases. Identifiers: MedGen C0950123, MeSH D030342.

Allele frequency attached by ClinVar (database versions not stated): gnomAD 0.00002; TOPMed 0.00006.
gnomAD v4.1: 4 of 1,609,828 alleles (0.00025%); highest among the groups gnomAD compares: African/African-American, 0.0027%; no homozygotes.

Submissions (2):

Ambry Genetics
Classification: Uncertain significance for Inborn genetic diseases. Last evaluated: 2023-12-30. Review status: criteria provided, single submitter. Criteria: Ambry Variant Classification Scheme 2023. Collection method: clinical testing. Allele origin: germline.

Labcorp Genetics (formerly Invitae), Labcorp
Classification: Uncertain significance. Last evaluated: 2022-07-25. Review status: criteria provided, single submitter. Criteria: Invitae Variant Classification Sherloc (09022015). Collection method: clinical testing. Allele origin: germline.
Comment: This sequence change replaces alanine, which is neutral and non-polar, with glycine, which is neutral and non-polar, at codon 201 of the SLC25A42 protein (p.Ala201Gly). This variant is not present in population databases (gnomAD no frequency). This variant has not been reported in the literature in individuals affected with SLC25A42-related conditions. Algorithms developed to predict the effect of missense changes on protein structure and function are either unavailable or do not agree on the potential impact of this missense change (SIFT: "Deleterious"; PolyPhen-2: "Benign"; Align-GVGD: "Class C55"). In summary, the available evidence is currently insufficient to determine the role of this variant in disease. Therefore, it has been classified as a Variant of Uncertain Significance.